The following is an entry in ClinVar:

ClinVar aggregate classification (germline): Conflicting classifications of pathogenicity. Review status: criteria provided, conflicting classifications (1 of 4 stars). 10 submissions from 10 submitters: Uncertain significance (8); Likely benign (1). 1 of the submissions does not count toward it. Last evaluated 2025-11-05.

Conditions:
Breast and/or ovarian cancer. Identifiers: MedGen CN221562.
Hereditary cancer-predisposing syndrome. Also called: Neoplastic Syndromes, Hereditary; Hereditary Cancer Syndrome; Hereditary neoplastic syndrome; Tumor predisposition. Identifiers: Orphanet 140162, MedGen C0027672, MeSH D009386, MONDO:0015356.
Hereditary breast ovarian cancer syndrome. Also called: Hereditary breast and ovarian cancer syndrome; Hereditary breast and/or ovarian cancer syndrome; BRCA1- and BRCA2-Associated Hereditary Breast and Ovarian Cancer; Hereditary breast and ovarian cancer; Breast and ovarian cancer; Hereditary breast and ovarian cancer syndrome (HBOC). Identifiers: Orphanet 145, MedGen C0677776, MeSH D061325, MONDO:0003582. Disease mechanism: loss of function.
Breast-ovarian cancer, familial, susceptibility to, 2 (BROVCA2). Also called: BRCA2 Hereditary Breast and Ovarian Cancer. Identifiers: Orphanet 145, MedGen C2675520, MONDO:0012933, OMIM 612555. Disease mechanism: loss of function.

Allele frequency attached by ClinVar (database versions not stated): gnomAD exomes below 0.00001; TOPMed below 0.00001.
gnomAD v4.1: 3 of 1,609,366 alleles (0.00019%); highest among the groups gnomAD compares: Non-Finnish European, 0.00025%; no homozygotes.

Submissions (10):

Labcorp Genetics (formerly Invitae), Labcorp
Classification: Uncertain significance for Hereditary breast ovarian cancer syndrome. Last evaluated: 2025-11-05. Review status: criteria provided, single submitter. Criteria: Invitae Variant Classification Sherloc (09022015). Collection method: clinical testing. Allele origin: germline.
Comment: This sequence change replaces leucine, which is neutral and non-polar, with arginine, which is basic and polar, at codon 1357 of the BRCA2 protein (p.Leu1357Arg). This variant is present in population databases (rs55796504, gnomAD 0.0009%). This variant has not been reported in the literature in individuals affected with BRCA2-related conditions. ClinVar contains an entry for this variant (Variation ID: 141478). Invitae Evidence Modeling of protein sequence and biophysical properties (such as structural, functional, and spatial information, amino acid conservation, physicochemical variation, residue mobility, and thermodynamic stability) indicates that this missense variant is not expected to disrupt BRCA2 protein function with a negative predictive value of 95%. In summary, the available evidence is currently insufficient to determine the role of this variant in disease. Therefore, it has been classified as a Variant of Uncertain Significance.

Ambry Genetics
Classification: Uncertain significance for Hereditary cancer-predisposing syndrome. Last evaluated: 2025-09-29. Review status: criteria provided, single submitter. Criteria: Ambry Variant Classification Scheme 2023. Collection method: clinical testing. Allele origin: germline.
Comment: The p.L1357R variant (also known as c.4070T>G), located in coding exon 10 of the BRCA2 gene, results from a T to G substitution at nucleotide position 4070. The leucine at codon 1357 is replaced by arginine, an amino acid with dissimilar properties. This amino acid position is poorly conserved in available vertebrate species. In addition, this alteration is predicted to be tolerated by in silico analysis. Since supporting evidence is limited at this time, the clinical significance of this alteration remains unclear.

Quest Diagnostics Nichols Institute San Juan Capistrano
Classification: Uncertain significance. Last evaluated: 2025-08-15. Review status: criteria provided, single submitter. Criteria: Quest Diagnostics criteria. Collection method: clinical testing. Allele origin: unknown.
Comment: The BRCA2 c.4070T>G (p.Leu1357Arg) variant has been reported in the published literature in individuals with a personal and/or family history of unspecified cancer (PMID: 31853058 (2020)), and described to be located in a region of the BRCA2 gene that is tolerant to missense sequence changes (PMID: 31911673 (2020)). The frequency of this variant in the general population (Genome Aggregation Database) is uninformative in the assessment of its pathogenicity. Analysis of this variant using bioinformatics tools for the prediction of the effect of amino acid changes on protein structure and function yielded predictions that this variant is benign. Based on the available information, we are unable to determine the clinical significance of this variant.

All of Us Research Program, National Institutes of Health
Classification: Uncertain significance for Breast-ovarian cancer, familial, susceptibility to, 2. Last evaluated: 2023-10-30. Review status: criteria provided, single submitter. Criteria: ACMG Guidelines, 2015. Collection method: clinical testing. Allele origin: germline. Inheritance: Autosomal dominant inheritance. Observed: 1 variant allele, 1 heterozygote.
Comment: This study involves interpretation of variants in research participants for the purpose of population health screening. Participant phenotype was not available at the time of variant classification. Additional details can be found in publication PMID: 35346344, PMCID: PMC8962531

Color Diagnostics, LLC DBA Color Health
Classification: Uncertain significance for Hereditary cancer-predisposing syndrome. Last evaluated: 2023-09-25. Review status: criteria provided, single submitter. Criteria: ACMG Guidelines, 2015. Collection method: clinical testing. Allele origin: germline.
Comment: This missense variant replaces leucine with arginine at codon 1357 of the BRCA2 protein. Computational prediction suggests that this variant may not impact protein structure and function (internally defined REVEL score threshold <= 0.5, PMID: 27666373). To our knowledge, functional studies have not been reported for this variant. This variant has not been reported in individuals affected with BRCA2-related disorders in the literature. This variant has been identified in 1/247396 chromosomes in the general population by the Genome Aggregation Database (gnomAD). The available evidence is insufficient to determine the role of this variant in disease conclusively. Therefore, this variant is classified as a Variant of Uncertain Significance.

University of Washington Department of Laboratory Medicine, University of Washington
Classification: Likely benign for Hereditary cancer-predisposing syndrome. Last evaluated: 2023-03-23. Review status: criteria provided, single submitter. Criteria: Dines et al. (Genet Med. 2020). Collection method: curation. Allele origin: germline.
Comment: Missense variant in a coldspot region where missense variants are very unlikely to be pathogenic (PMID:31911673).

BRCA2 exon 11 coldspot. Reclassification based on statistical prior probability.

Women's Health and Genetics/Laboratory Corporation of America, LabCorp
Classification: Uncertain significance. Last evaluated: 2021-06-13. Review status: criteria provided, single submitter. Criteria: LabCorp Variant Classification Summary - May 2015. Collection method: clinical testing. Allele origin: germline.
Comment: Variant summary: BRCA2 c.4070T>G (p.Leu1357Arg) results in a non-conservative amino acid change in the encoded protein sequence. Three of five in-silico tools predict a benign effect of the variant on protein function. The variant allele was found at a frequency of 4e-06 in 247396 control chromosomes. The available data on variant occurrences in the general population are insufficient to allow any conclusion about variant significance. To our knowledge, no occurrence of c.4070T>G in individuals affected with Hereditary Breast And Ovarian Cancer Syndrome and no experimental evidence demonstrating its impact on protein function have been reported. Six clinical diagnostic laboratories have submitted clinical-significance assessments for this variant to ClinVar after 2014 without evidence for independent evaluation. All laboratories classified the variant as uncertain significance. Based on the evidence outlined above, the variant was classified as uncertain significance.

CHEO Genetics Diagnostic Laboratory, Children's Hospital of Eastern Ontario
Classification: Uncertain significance for Breast and/or ovarian cancer. Last evaluated: 2019-12-24. Review status: criteria provided, single submitter. Criteria: ACMG Guidelines, 2015. Collection method: clinical testing. Allele origin: germline.

GeneDx
Classification: Uncertain significance. Last evaluated: 2017-07-21. Review status: criteria provided, single submitter. Criteria: GeneDx Variant Classification (06012015). Collection method: clinical testing. Allele origin: germline. Affected: yes.
Comment: This variant is denoted BRCA2 c.4070T>G at the cDNA level, p.Leu1357Arg (L1357R) at the protein level, and results in the change of a Leucine to an Arginine (CTA>CGA). Using alternate nomenclature, this variant would be defined as BRCA2 4298T>G. This variant has not, to our knowledge, been published in the literature as pathogenic or benign. BRCA2 Leu1357Arg was not observed in large population cohorts (NHLBI Exome Sequencing Project, The 1000 Genomes Consortium 2015, Lek 2016). Since Leucine and Arginine differ in polarity, charge, size or other properties, this is considered a non-conservative amino acid substitution. BRCA2 Leu1357Arg occurs at a position that is not conserved and is located in the POLH and RAD51 binding domains (Roy 2012, Buisson 2014). In silico analyses are inconsistent regarding the effect this variant may have on protein structure and function. Based on the currently available evidence, it is unclear whether BRCA2 Leu1357Arg is pathogenic or benign. We consider it to be a variant of uncertain significance.

Counsyl
Classification: Uncertain significance for Breast-ovarian cancer, familial, susceptibility to, 2. Last evaluated: 2015-12-16. Review status: no assertion criteria provided. Collection method: clinical testing. Allele origin: unknown. Not counted in ClinVar's aggregate classification.

Literature cited by the submitters: PubMed 31911673 (cited by Quest Diagnostics Nichols Institute San Juan Capistrano); PubMed 31853058 (cited by Quest Diagnostics Nichols Institute San Juan Capistrano).

NM_000059.4(BRCA2):c.4070T>G (p.Leu1357Arg)

Gene: BRCA2 (BRCA2 DNA repair associated; plus strand). Cytogenetic location: 13q13.1.
Variant type: single nucleotide variant.
Coding change: c.4070T>G on transcript NM_000059.4 (MANE Select); coding-DNA position 4070, T replaced by G.
Protein change: p.Leu1357Arg; replaces leucine 1357 with arginine.
Molecular consequence: missense variant.
Genome position (GRCh38, 1-based): chr13:32,338,425, T>G. VCF-style: chr13-32338425-T-G. GRCh37 (hg19) VCF-style: chr13-32912562-T-G.
Other names: p.L1357R:CTA>CGA; short protein forms L1357R.
Identifiers: ClinVar variation 141478 (VCV000141478.33), dbSNP rs55796504, ClinGen allele CA019466.
Genomic context (GRCh38, chr13:32,338,425, plus strand): 5'-ATGGCAGTGATTCAAGTAAAAATGATACTGTTTGTATTCATAAAGATGAAACGGACTTGC[T>G]ATTTACTGATCAGCACAACATATGTCTTAAATTATCTGGCCAGTTTATGAAGGAGGGAAA-3'
Protein context (NP_000050.3, residues 1347-1367): VCIHKDETDL[Leu1357Arg]FTDQHNICLK